The following is an entry in ClinVar:

ClinVar aggregate classification (germline): Likely benign (0 of 4 stars; one submission).

Conditions:
PLXNA1-related disorder. Also called: PLXNA1-related condition.

Allele frequency attached by ClinVar (database versions not stated): ESP Exome Variant Server 0.00008; ExAC 0.00016; 1000 Genomes Project 30x 0.00047; 1000 Genomes Project 0.00060.
gnomAD v4.1: 91 of 1,612,326 alleles (0.0056%); highest among the groups gnomAD compares: East Asian, 0.13%; no homozygotes.

Submission:

PreventionGenetics, part of Exact Sciences
Classification: Likely benign for PLXNA1-related condition. Last evaluated: 2022-03-17. Review status: no assertion criteria provided. Collection method: clinical testing. Allele origin: germline.
Comment: This variant is classified as likely benign based on ACMG/AMP sequence variant interpretation guidelines (Richards et al. 2015 PMID: 25741868, with internal and published modifications).

NM_032242.4(PLXNA1):c.1471G>A (p.Val491Ile)

Gene: PLXNA1 (plexin A1; plus strand). Cytogenetic location: 3q21.3.
Variant type: single nucleotide variant.
Coding change: c.1471G>A on transcript NM_032242.4 (MANE Select); coding-DNA position 1471, G replaced by A.
Protein change: p.Val491Ile; replaces valine 491 with isoleucine.
Molecular consequence: missense variant.
Genome position (GRCh38, 1-based): chr3:127,003,423, G>A. VCF-style: chr3-127003423-G-A. GRCh37 (hg19) VCF-style: chr3-126722266-G-A.
Other names: short protein forms V491I.
Identifiers: ClinVar variation 3040156 (VCV003040156.2), dbSNP rs148689550, ClinGen allele CA2593252.